The following is an entry in ClinVar:

NM_001958.5(EEF1A2):c.583G>A (p.Gly195Ser)

Gene: EEF1A2 (eukaryotic translation elongation factor 1 alpha 2; minus strand). Cytogenetic location: 20q13.33.
Variant type: single nucleotide variant.
Coding change: c.583G>A on transcript NM_001958.5 (MANE Select); coding-DNA position 583, G replaced by A.
Protein change: p.Gly195Ser; replaces glycine 195 with serine.
Molecular consequence: missense variant.
Genome position (GRCh38, 1-based): chr20:63,494,843, C>T on the plus strand (G>A on the coding strand, the complement: EEF1A2 is on the minus strand). VCF-style: chr20-63494843-C-T. GRCh37 (hg19) VCF-style: chr20-62126196-C-T.
Other names: short protein forms G195S.
Identifiers: ClinVar variation 1721161 (VCV001721161.6), dbSNP rs2516783028, ClinGen allele CA409649338.

ClinVar aggregate classification (germline): Uncertain significance (1 of 4 stars; one submission).

Conditions:
Developmental and epileptic encephalopathy, 33 (DEE33). Also called: Epileptic encephalopathy, early infantile, 33. Identifiers: Orphanet 442835, MedGen C4225337, MONDO:0014625, OMIM 616409.

Submission:

Labcorp Genetics (formerly Invitae), Labcorp
Classification: Uncertain significance for Developmental and epileptic encephalopathy, 33. Last evaluated: 2022-10-07. Review status: criteria provided, single submitter. Criteria: Invitae Variant Classification Sherloc (09022015). Collection method: clinical testing. Allele origin: germline.
Comment: This variant is not present in population databases (gnomAD no frequency). This sequence change replaces glycine, which is neutral and non-polar, with serine, which is neutral and polar, at codon 195 of the EEF1A2 protein (p.Gly195Ser). This variant has not been reported in the literature in individuals affected with EEF1A2-related conditions. Advanced modeling of protein sequence and biophysical properties (such as structural, functional, and spatial information, amino acid conservation, physicochemical variation, residue mobility, and thermodynamic stability) performed at Invitae indicates that this missense variant is not expected to disrupt EEF1A2 protein function. In summary, the available evidence is currently insufficient to determine the role of this variant in disease. Therefore, it has been classified as a Variant of Uncertain Significance.